The following is an entry in ClinVar:

ClinVar aggregate classification (germline): Uncertain significance. Review status: criteria provided, multiple submitters, no conflicts (2 of 4 stars). 2 submissions from 2 submitters: Uncertain significance (2). Last evaluated 2026-01-14.

Conditions:
PKD1-related disorder. Also called: PKD1-related condition.

Allele frequency attached by ClinVar (database versions not stated): gnomAD exomes 0.00001; ExAC 0.00002; gnomAD 0.00003; TOPMed 0.00008.
gnomAD v4.1: 21 of 1,596,654 alleles (0.0013%); highest among the groups gnomAD compares: Admixed American, 0.033%; no homozygotes.

Submissions (2):

PreventionGenetics, part of Exact Sciences
Classification: Uncertain significance for PKD1-related condition. Last evaluated: 2026-01-14. Review status: criteria provided, single submitter. Criteria: ACMG Guidelines, 2015. Collection method: clinical testing. Allele origin: germline.
Comment: The PKD1 c.7342C>T variant is predicted to result in the amino acid substitution p.Leu2448Phe. To our knowledge, this variant has not been reported in the literature. This variant is reported in 0.035% of alleles in individuals of Latino descent in gnomAD. Although we suspect that this variant may be benign, at this time, the clinical significance of this variant is uncertain due to the absence of conclusive functional and genetic evidence.

GeneDx
Classification: Uncertain significance. Last evaluated: 2023-04-28. Review status: criteria provided, single submitter. Criteria: GeneDx Variant Classification Process June 2021. Collection method: clinical testing. Allele origin: germline. Affected: yes.
Comment: In silico analysis supports that this missense variant has a deleterious effect on protein structure/function; Has not been previously published as pathogenic or benign to our knowledge

NM_001009944.3(PKD1):c.7342C>T (p.Leu2448Phe)

Gene: PKD1 (polycystin 1, transient receptor potential channel interacting; minus strand). Cytogenetic location: 16p13.3.
Variant type: single nucleotide variant.
Coding change: c.7342C>T on transcript NM_001009944.3 (MANE Select); coding-DNA position 7342, C replaced by T.
Protein change: p.Leu2448Phe; replaces leucine 2448 with phenylalanine.
Molecular consequence: missense variant.
Genome position (GRCh38, 1-based): chr16:2,106,545, G>A on the plus strand (C>T on the coding strand, the complement: PKD1 is on the minus strand). VCF-style: chr16-2106545-G-A. GRCh37 (hg19) VCF-style: chr16-2156546-G-A.
Other names: c.7342C>T, p.Leu2448Phe (NM_000296.4); short protein forms L2448F.
Identifiers: ClinVar variation 3252701 (VCV003252701.2), dbSNP rs747780246.
Genomic context (GRCh38, chr16:2,106,545, plus strand): 5'-TGGGGGACAGGCGGATGGAGGCGCAGCCCTCCTCCTCGCCAGAGCGGCCCAGCACCGTGA[G>A]CGTGAAGGTGTATCCCTCGCCGTCCCGCAGCACGCCCCGCCGCAGCACCAGTCGCATGCC-3'
Protein context (NP_001009944.3, residues 2438-2458): LRDGEGYTFT[Leu2448Phe]TVLGRSGEEE